The following is an entry in ClinVar:

NM_020207.7(ERCC6L2):c.61G>A (p.Gly21Arg)

Gene: ERCC6L2 (ERCC excision repair 6 like 2; plus strand). Cytogenetic location: 9q22.32.
Variant type: single nucleotide variant.
Coding change: c.61G>A on transcript NM_020207.7 (MANE Select); coding-DNA position 61, G replaced by A.
Protein change: p.Gly21Arg; replaces glycine 21 with arginine.
Molecular consequence: missense variant. On other transcripts: non-coding transcript variant (1).
Genome position (GRCh38, 1-based): chr9:95,880,883, G>A. VCF-style: chr9-95880883-G-A. GRCh37 (hg19) VCF-style: chr9-98643165-G-A.
Other names: c.61G>A, p.Gly21Arg (NM_001010895.4, NM_001375291.1, NM_001375292.1 and 2 more transcripts); short protein forms G21R.
Identifiers: ClinVar variation 3845954 (VCV003845954.1).
Genomic context (GRCh38, chr9:95,880,883, plus strand): 5'-ACTTTATAAGCTAGCTTTGGAAACTTTATTTTCTTTATTCTTGCAGACATATGGCATCCA[G>A]GAGAAAGATGTCTTGCCCCTTCTCCAGATAATGGAAAACTTTGTGAAGCAAGCATAAAAT-3'
Protein context (NP_064592.3, residues 11-31): ETSGKDIWHP[Gly21Arg]ERCLAPSPDN

ClinVar aggregate classification (germline): Uncertain significance (1 of 4 stars; one submission).

Conditions:
Inborn genetic diseases. Identifiers: MedGen C0950123, MeSH D030342.

gnomAD v4.1: 6 of 1,607,678 alleles (0.00037%); highest among the groups gnomAD compares: Non-Finnish European, 0.00051%; no homozygotes.

Submission:

Ambry Genetics
Classification: Uncertain significance for Inborn genetic diseases. Last evaluated: 2025-02-21. Review status: criteria provided, single submitter. Criteria: Ambry Variant Classification Scheme 2023. Collection method: clinical testing. Allele origin: germline.
Comment: The p.G21R variant (also known as c.61G>A), located in coding exon 2 of the ERCC6L2 gene, results from a G to A substitution at nucleotide position 61. The glycine at codon 21 is replaced by arginine, an amino acid with dissimilar properties. This amino acid position is conserved. In addition, the in silico prediction for this alteration is inconclusive. Based on the available evidence, the clinical significance of this variant remains unclear.